The following is an entry in ClinVar:

ClinVar aggregate classification (germline): Uncertain significance (1 of 4 stars; one submission).

gnomAD v4.1: 3 of 1,614,022 alleles (0.00019%); highest among the groups gnomAD compares: South Asian, 0.0033%; no homozygotes.

Submission:

Labcorp Genetics (formerly Invitae), Labcorp
Classification: Uncertain significance. Last evaluated: 2025-12-03. Review status: criteria provided, single submitter. Criteria: Invitae Variant Classification Sherloc (09022015). Collection method: clinical testing. Allele origin: germline.
Comment: This sequence change replaces valine, which is neutral and non-polar, with methionine, which is neutral and non-polar, at codon 1567 of the ALPK3 protein (p.Val1567Met). This variant also falls at the last nucleotide of exon 8, which is part of the consensus splice site for this exon. This variant is present in population databases (rs747755339, gnomAD 0.01%). This variant has not been reported in the literature in individuals affected with ALPK3-related conditions. An algorithm developed to predict the effect of missense changes on protein structure and function (PolyPhen-2) suggests that this variant is likely to be disruptive. Variants that disrupt the consensus splice site are a relatively common cause of aberrant splicing (PMID: 17576681, 9536098). In summary, the available evidence is currently insufficient to determine the role of this variant in disease. Therefore, it has been classified as a Variant of Uncertain Significance.

Literature cited by the submitters: PubMed 17576681; PubMed 9536098.

NM_020778.5(ALPK3):c.4093G>A (p.Val1365Met)

Gene: ALPK3 (alpha kinase 3; plus strand). Cytogenetic location: 15q25.3.
Variant type: single nucleotide variant.
Coding change: c.4093G>A on transcript NM_020778.5 (MANE Select); coding-DNA position 4093, G replaced by A.
Protein change: p.Val1365Met; replaces valine 1365 with methionine.
Molecular consequence: missense variant.
Genome position (GRCh38, 1-based): chr15:84,859,903, G>A. VCF-style: chr15-84859903-G-A. GRCh37 (hg19) VCF-style: chr15-85403134-G-A.
Other names: short protein forms V1365M.
Identifiers: ClinVar variation 4779844 (VCV004779844.1).